The following is an entry in ClinVar:

NM_000063.6(C2):c.778G>A (p.Asp260Asn)

Gene: C2 (complement C2; plus strand). Cytogenetic location: 6p21.33.
Variant type: single nucleotide variant.
Coding change: c.778G>A on transcript NM_000063.6 (MANE Select); coding-DNA position 778, G replaced by A.
Protein change: p.Asp260Asn; replaces aspartic acid 260 with asparagine.
Molecular consequence: missense variant. On other transcripts: intron variant (2).
Genome position (GRCh38, 1-based): chr6:31,934,228, G>A. VCF-style: chr6-31934228-G-A. GRCh37 (hg19) VCF-style: chr6-31902005-G-A.
Other names: c.382G>A, p.Asp128Asn (NM_001145903.3); c.691G>A, p.Asp231Asn (NM_001282458.2); c.778G>A, p.Asp260Asn (NM_001282459.2); c.111+445G>A (NM_001282457.2); c.346+263G>A (NM_001178063.3); short protein forms D128N, D231N, D260N.
Identifiers: ClinVar variation 2092777 (VCV002092777.4), dbSNP rs2482525830, ClinGen allele CA363367527.

ClinVar aggregate classification (germline): Uncertain significance (1 of 4 stars; one submission).

Submission:

Labcorp Genetics (formerly Invitae), Labcorp
Classification: Uncertain significance. Last evaluated: 2022-11-07. Review status: criteria provided, single submitter. Criteria: Invitae Variant Classification Sherloc (09022015). Collection method: clinical testing. Allele origin: germline.
Comment: This variant is not present in population databases (gnomAD no frequency). In summary, the available evidence is currently insufficient to determine the role of this variant in disease. Therefore, it has been classified as a Variant of Uncertain Significance. Algorithms developed to predict the effect of missense changes on protein structure and function are either unavailable or do not agree on the potential impact of this missense change (SIFT: "Deleterious"; PolyPhen-2: "Probably Damaging"; Align-GVGD: "Class C15"). This variant has not been reported in the literature in individuals affected with C2-related conditions. This sequence change replaces aspartic acid, which is acidic and polar, with asparagine, which is neutral and polar, at codon 260 of the C2 protein (p.Asp260Asn).